The following is an entry in ClinVar:

ClinVar aggregate classification (germline): Benign/Likely benign. Review status: criteria provided, multiple submitters, no conflicts (2 of 4 stars). 6 submissions from 6 submitters: Benign (2); Likely benign (3). 1 of the submissions does not count toward it. Last evaluated 2025-11-22.

Conditions:
COL1A1-related disorder. Also called: COL1A1- related disease; COL1A1-related condition.
Osteogenesis imperfecta type I (OI1). Also called: OSTEOGENESIS IMPERFECTA WITH BLUE SCLERAE; Osteogenesis imperfecta type 1; Lobstein's Disease; OI, TYPE I; OSTEOGENESIS IMPERFECTA TARDA; Classic Non-deforming Osteogenesis Imperfecta with Blue Sclerae. Identifiers: Orphanet 216796, Orphanet 666, MedGen C0023931, MONDO:0008146, OMIM 166200. Disease mechanism: loss of function.
Cardiovascular phenotype. Identifiers: MedGen CN230736.

Allele frequency attached by ClinVar (database versions not stated): gnomAD exomes 0.00003 and 0.00014; 1000 Genomes Project 30x 0.00016; 1000 Genomes Project 0.00020; ExAC 0.00020; gnomAD 0.00050 and 0.00054; TOPMed 0.00058; ESP Exome Variant Server 0.00077.
gnomAD v4.1: 123 of 1,613,866 alleles (0.0076%); highest among the groups gnomAD compares: African/African-American, 0.15%; no homozygotes.

Submissions (7):

Labcorp Genetics (formerly Invitae), Labcorp
Classification: Benign for Osteogenesis imperfecta type I. Last evaluated: 2025-11-22. Review status: criteria provided, single submitter. Criteria: Invitae Variant Classification Sherloc (09022015). Collection method: clinical testing. Allele origin: germline.

Women's Health and Genetics/Laboratory Corporation of America, LabCorp
Classification: Benign. Last evaluated: 2025-10-14. Review status: criteria provided, single submitter. Criteria: LabCorp Variant Classification Summary - May 2015. Collection method: clinical testing. Allele origin: germline.

Blueprint Genetics
Classification: Likely benign. Last evaluated: 2024-09-06. Review status: criteria provided, single submitter. Criteria: ACMG Guidelines, 2015. Collection method: clinical testing. Allele origin: germline.

Ambry Genetics
Classification: Likely benign for Cardiovascular phenotype. Last evaluated: 2022-02-14. Review status: criteria provided, single submitter. Criteria: Ambry Variant Classification Scheme 2023. Collection method: clinical testing. Allele origin: germline.

GeneDx
Classification: Likely benign. Last evaluated: 2019-12-09. Review status: criteria provided, single submitter. Criteria: GeneDx Variant Classification Process June 2021. Collection method: clinical testing. Allele origin: germline. Affected: yes.

PreventionGenetics, part of Exact Sciences
Classification: Likely benign for COL1A1-related condition. Last evaluated: 2019-07-22. Review status: no assertion criteria provided. Collection method: clinical testing. Allele origin: germline. Not counted in ClinVar's aggregate classification.
Comment: This variant is classified as likely benign based on ACMG/AMP sequence variant interpretation guidelines (Richards et al. 2015 PMID: 25741868, with internal and published modifications).

Dr. Peter K. Rogan Lab, Western University
No classification provided (evidence only). Condition: Clear cell carcinoma of kidney. Review status: no classification provided. Collection method: in vitro. Allele origin: not applicable. Functional consequence: retained intron. Not counted in ClinVar's aggregate classification.

NM_000088.4(COL1A1):c.3309C>T (p.Gly1103=)

Gene: COL1A1 (collagen type I alpha 1 chain; minus strand). Cytogenetic location: 17q21.33.
Variant type: single nucleotide variant.
Coding change: c.3309C>T on transcript NM_000088.4 (MANE Select); coding-DNA position 3309, C replaced by T.
Protein change: p.Gly1103=; no amino-acid change (glycine 1103 retained).
Molecular consequence: synonymous variant.
Genome position (GRCh38, 1-based): chr17:50,187,936, G>A on the plus strand (C>T on the coding strand, the complement: COL1A1 is on the minus strand). VCF-style: chr17-50187936-G-A. GRCh37 (hg19) VCF-style: chr17-48265297-G-A.
Identifiers: ClinVar variation 508767 (VCV000508767.20), dbSNP rs142312753, ClinGen allele CA8644484.